The following is an entry in ClinVar:

NM_001277115.2(DNAH11):c.11188C>T (p.Gln3730Ter)

Gene: DNAH11 (dynein axonemal heavy chain 11; plus strand). Cytogenetic location: 7p15.3.
Variant type: single nucleotide variant.
Coding change: c.11188C>T on transcript NM_001277115.2 (MANE Select); coding-DNA position 11188, C replaced by T.
Protein change: p.Gln3730Ter; replaces glutamine 3730 with a stop codon.
Molecular consequence: nonsense.
Genome position (GRCh38, 1-based): chr7:21,854,441, C>T. VCF-style: chr7-21854441-C-T. GRCh37 (hg19) VCF-style: chr7-21894059-C-T.
Other names: short protein forms Q3730*.
Identifiers: ClinVar variation 1068707 (VCV001068707.7), dbSNP rs2128025477, ClinGen allele CA366960238.
Genomic context (GRCh38, chr7:21,854,441, plus strand): 5'-GCAAGAGCATCTCTTCTTTATTTTGTTATTAATGACCTCCAAAAAATCAACCCCCTCTAC[C>T]AATTCTCTTTGAAGGTAATGCTGAATGAGCTAAGAAATATGGGAAACTTTAGGAGTTCAA-3'

ClinVar aggregate classification (germline): Pathogenic (1 of 4 stars; one submission).

Conditions:
Primary ciliary dyskinesia. Also called: Ciliary dyskinesia. Identifiers: Orphanet 244, MedGen C0008780, MONDO:0016575, HP:0012265.

Submission:

Labcorp Genetics (formerly Invitae), Labcorp
Classification: Pathogenic for Primary ciliary dyskinesia. Last evaluated: 2020-07-27. Review status: criteria provided, single submitter. Criteria: Invitae Variant Classification Sherloc (09022015). Collection method: clinical testing. Allele origin: germline.
Comment: For these reasons, this variant has been classified as Pathogenic. Loss-of-function variants in DNAH11 are known to be pathogenic (PMID: 18022865, 20513915, 22184204). This variant has not been reported in the literature in individuals with DNAH11-related conditions. This variant is not present in population databases (ExAC no frequency). This sequence change creates a premature translational stop signal (p.Gln3730*) in the DNAH11 gene. It is expected to result in an absent or disrupted protein product.

Literature cited by the submitters: PubMed 18022865; PubMed 20513915; PubMed 22184204.